The following is an entry in ClinVar:

NM_006070.6(TFG):c.455C>T (p.Ser152Phe)

Gene: TFG (trafficking from ER to golgi regulator; plus strand). Cytogenetic location: 3q12.2.
Variant type: single nucleotide variant.
Coding change: c.455C>T on transcript NM_006070.6 (MANE Select); coding-DNA position 455, C replaced by T.
Protein change: p.Ser152Phe; replaces serine 152 with phenylalanine.
Molecular consequence: missense variant.
Genome position (GRCh38, 1-based): chr3:100,732,547, C>T. VCF-style: chr3-100732547-C-T. GRCh37 (hg19) VCF-style: chr3-100451391-C-T.
Other names: c.455C>T, p.Ser152Phe (NM_001007565.2, NM_001195478.2, NM_001195479.2); short protein forms S152F.
Identifiers: ClinVar variation 4823289 (VCV004823289.4).

ClinVar aggregate classification (germline): Uncertain significance (1 of 4 stars; one submission).

gnomAD v4.1: 1 of 1,611,406 alleles (0.000062%); highest among the groups gnomAD compares: East Asian, 0.0022%; no homozygotes.

Submission:

CeGaT Center for Human Genetics Tuebingen
Classification: Uncertain significance. Last evaluated: 2026-02-01. Review status: criteria provided, single submitter. Criteria: CeGaT Center For Human Genetics Tuebingen Variant Classification Criteria Version 2. Collection method: clinical testing. Allele origin: germline. Affected: yes. Observed: 1 variant allele.
Comment: TFG: PM2, BP4